The following is an entry in ClinVar:

NM_007294.4(BRCA1):c.5067G>C (p.Met1689Ile)

Gene: BRCA1 (BRCA1 DNA repair associated; minus strand). Cytogenetic location: 17q21.31.
Variant type: single nucleotide variant.
Coding change: c.5067G>C on transcript NM_007294.4 (MANE Select); coding-DNA position 5067, G replaced by C.
Protein change: p.Met1689Ile; replaces methionine 1689 with isoleucine.
Molecular consequence: missense variant. On other transcripts: non-coding transcript variant (1).
Genome position (GRCh38, 1-based): chr17:43,067,615, C>G on the plus strand (G>C on the coding strand, the complement: BRCA1 is on the minus strand). VCF-style: chr17-43067615-C-G. GRCh37 (hg19) VCF-style: chr17-41219632-C-G.
Other names: c.4989G>C, p.Met1663Ile (NM_001407655.1, NM_001407654.1, NM_001407653.1); c.4986G>C, p.Met1662Ile (NM_001407656.1, NM_001407657.1, NM_001407658.1); c.4983G>C, p.Met1661Ile (NM_001407659.1, NM_001407660.1, NM_001407661.1 and 2 more transcripts); c.4941G>C, p.Met1647Ile (NM_001407673.1, NM_001407674.1, NM_001407675.1 and 11 more transcripts); c.4938G>C, p.Met1646Ile (NM_001407681.1, NM_001407682.1, NM_001407683.1 and 6 more transcripts); c.4926G>C, p.Met1642Ile (NM_001407692.1, NM_001407694.1, NM_001407695.1 and 13 more transcripts); c.4923G>C, p.Met1641Ile (NM_001407737.1, NM_001407738.1, NM_001407739.1 and 21 more transcripts); c.4920G>C, p.Met1640Ile (NM_001407842.1, NM_001407843.1, NM_001407844.1 and 12 more transcripts); and 71 more; short protein forms M1689I, M1642I, M1710I, M585I, M1535I, M1601I, M1617I, M1618I.
Identifiers: ClinVar variation 867591 (VCV000867591.8), dbSNP rs1597825629, ClinGen allele CA10591386.

ClinVar aggregate classification (germline): Uncertain significance. Review status: criteria provided, multiple submitters, no conflicts (2 of 4 stars). 2 submissions from 2 submitters: Uncertain significance (2). Last evaluated 2024-10-08.

Conditions:
Hereditary breast ovarian cancer syndrome. Also called: Hereditary breast and ovarian cancer; Hereditary breast and ovarian cancer syndrome (HBOC); Breast and ovarian cancer; Hereditary breast and/or ovarian cancer syndrome; BRCA1- and BRCA2-Associated Hereditary Breast and Ovarian Cancer; Hereditary breast and ovarian cancer syndrome. Identifiers: Orphanet 145, MedGen C0677776, MeSH D061325, MONDO:0003582. Disease mechanism: loss of function.
Breast-ovarian cancer, familial, susceptibility to, 1 (BROVCA1). Also called: BRCA1 Hereditary Breast and Ovarian Cancer; OVARIAN CANCER, SUSCEPTIBILITY TO. Identifiers: Orphanet 145, MedGen C2676676, MONDO:0011450, OMIM 604370. Disease mechanism: loss of function.

Submissions (3):

KCCC/NGS Laboratory, Kuwait Cancer Control Center
Classification: Uncertain significance for Breast-ovarian cancer, familial, susceptibility to, 1. Last evaluated: 2024-10-08. Review status: criteria provided, single submitter. Criteria: ACMG Guidelines, 2015. Collection method: clinical testing. Allele origin: germline. Inheritance: Autosomal dominant inheritance. Affected: yes. Observed: 1 heterozygote.
Comment: This sequence change replaces methionine, which is neutral and non-polar, with isoleucine, which is neutral and non-polar, at codon 1689 of the BRCA1 protein (p.Met1689Ile). This variant is not present in population databases (gnomAD no frequency). This variant has not been reported in the literature in individuals affected with BRCA1-related conditions. ClinVar contains an entry for this variant (Variation ID: 867591)In-silico predictions show benign computational verdict indicates that this missense variant is not expected to disrupt BRCA1 function. In summary, the available evidence is currently insufficient to determine the role of this variant in disease. Therefore, it has been classified as a Variant of Uncertain Significance.

Labcorp Genetics (formerly Invitae), Labcorp
Classification: Uncertain significance for Hereditary breast ovarian cancer syndrome. Last evaluated: 2024-01-08. Review status: criteria provided, single submitter. Criteria: Invitae Variant Classification Sherloc (09022015). Collection method: clinical testing. Allele origin: germline.
Comment: This sequence change replaces methionine, which is neutral and non-polar, with isoleucine, which is neutral and non-polar, at codon 1689 of the BRCA1 protein (p.Met1689Ile). This variant is not present in population databases (gnomAD no frequency). This variant has not been reported in the literature in individuals affected with BRCA1-related conditions. ClinVar contains an entry for this variant (Variation ID: 867591). Advanced modeling performed at Invitae incorporating data from internal and/or published experimental studies (PMID: 30209399) indicates that this missense variant is not expected to disrupt BRCA1 function with a negative predictive value of 95%. In summary, the available evidence is currently insufficient to determine the role of this variant in disease. Therefore, it has been classified as a Variant of Uncertain Significance.

Brotman Baty Institute, University of Washington
No classification provided (evidence only). Condition: Breast-ovarian cancer, familial 1. Review status: no classification provided. Collection method: in vitro. Allele origin: not applicable. Functional consequence: functionally_normal. Not counted in ClinVar's aggregate classification.
ClinVar note: "not provided" was previously submitted as the classification for the variant. However, the classification appeared to be based only on an observation of functional data so it was converted to no classification on 2025-07-30.

Literature cited by the submitters: PubMed 30209399 (cited by Labcorp Genetics (formerly Invitae), Labcorp).